The following is an entry in ClinVar:

NM_000057.4(BLM):c.1513T>G (p.Trp505Gly)

Gene: BLM (BLM RecQ like helicase; plus strand). Cytogenetic location: 15q26.1.
Variant type: single nucleotide variant.
Coding change: c.1513T>G on transcript NM_000057.4 (MANE Select); coding-DNA position 1513, T replaced by G.
Protein change: p.Trp505Gly; replaces tryptophan 505 with glycine.
Molecular consequence: missense variant.
Genome position (GRCh38, 1-based): chr15:90,760,886, T>G. VCF-style: chr15-90760886-T-G. GRCh37 (hg19) VCF-style: chr15-91304116-T-G.
Other names: c.1513T>G, p.Trp505Gly (NM_001287246.2, NM_001287247.2); c.388T>G, p.Trp130Gly (NM_001287248.2); short protein forms W130G, W505G.
Identifiers: ClinVar variation 1774276 (VCV001774276.2), dbSNP rs772877648, ClinGen allele CA393843222.

ClinVar aggregate classification (germline): Uncertain significance (1 of 4 stars; one submission).

Conditions:
Hereditary cancer-predisposing syndrome. Also called: Hereditary Cancer Syndrome; Hereditary neoplastic syndrome; Neoplastic Syndromes, Hereditary; Tumor predisposition. Identifiers: Orphanet 140162, MedGen C0027672, MeSH D009386, MONDO:0015356.

Submission:

Ambry Genetics
Classification: Uncertain significance for Hereditary cancer-predisposing syndrome. Last evaluated: 2021-12-04. Review status: criteria provided, single submitter. Criteria: Ambry Variant Classification Scheme 2023. Collection method: clinical testing. Allele origin: germline.
Comment: The p.W505G variant (also known as c.1513T>G), located in coding exon 6 of the BLM gene, results from a T to G substitution at nucleotide position 1513. The tryptophan at codon 505 is replaced by glycine, an amino acid with highly dissimilar properties. This amino acid position is conserved. In addition, this alteration is predicted to be tolerated by in silico analysis. Since supporting evidence is limited at this time, the clinical significance of this alteration remains unclear.